The following is an entry in ClinVar:

NM_203447.4(DOCK8):c.5079+6G>A

Gene: DOCK8 (dedicator of cytokinesis 8; plus strand). Cytogenetic location: 9p24.3.
Variant type: single nucleotide variant.
Coding change: c.5079+6G>A on transcript NM_203447.4 (MANE Select); 6 bases into the intron after coding-DNA position 5079, G replaced by A.
Molecular consequence: intron variant.
Genome position (GRCh38, 1-based): chr9:434,981, G>A. VCF-style: chr9-434981-G-A. GRCh37 (hg19) VCF-style: chr9-434981-G-A.
Other names: c.4875+6G>A (NM_001193536.2); c.4779+6G>A (NM_001190458.2).
Identifiers: ClinVar variation 2836069 (VCV002836069.3), dbSNP rs2537378178, ClinGen allele CA2739269156.

ClinVar aggregate classification (germline): Uncertain significance (1 of 4 stars; one submission).

Conditions:
Combined immunodeficiency due to DOCK8 deficiency (HIES2). Also called: HIES autosomal recessive; Hyper-IgE recurrent infection syndrome, autosomal recessive; HYPER-IgE RECURRENT INFECTION SYNDROME 2, AUTOSOMAL RECESSIVE; HYPER-IgE SYNDROME 2, AUTOSOMAL RECESSIVE, WITH RECURRENT INFECTIONS; DOCK8 Deficiency. Identifiers: Orphanet 217390, MedGen C4722305, MONDO:0009478, OMIM 243700.

Submission:

Labcorp Genetics (formerly Invitae), Labcorp
Classification: Uncertain significance for Combined immunodeficiency due to DOCK8 deficiency. Last evaluated: 2023-02-10. Review status: criteria provided, single submitter. Criteria: Invitae Variant Classification Sherloc (09022015). Collection method: clinical testing. Allele origin: germline.
Comment: In summary, the available evidence is currently insufficient to determine the role of this variant in disease. Therefore, it has been classified as a Variant of Uncertain Significance. This sequence change falls in intron 39 of the DOCK8 gene. It does not directly change the encoded amino acid sequence of the DOCK8 protein. It affects a nucleotide within the consensus splice site. This variant is not present in population databases (gnomAD no frequency). This variant has not been reported in the literature in individuals affected with DOCK8-related conditions. Variants that disrupt the consensus splice site are a relatively common cause of aberrant splicing (PMID: 17576681, 9536098). Algorithms developed to predict the effect of sequence changes on RNA splicing suggest that this variant is not likely to affect RNA splicing.

Literature cited by the submitters: PubMed 17576681; PubMed 9536098.